The following is an entry in ClinVar:

ClinVar aggregate classification (germline): Likely pathogenic (1 of 4 stars; one submission).

Conditions:
Hereditary cancer-predisposing syndrome. Also called: Neoplastic Syndromes, Hereditary; Tumor predisposition; Hereditary neoplastic syndrome; Hereditary Cancer Syndrome. Identifiers: Orphanet 140162, MedGen C0027672, MeSH D009386, MONDO:0015356.

Submission:

Ambry Genetics
Classification: Likely pathogenic for Hereditary cancer-predisposing syndrome. Last evaluated: 2026-09-08. Review status: criteria provided, single submitter. Criteria: Ambry Variant Classification Scheme 2023. Collection method: clinical testing. Allele origin: germline.
Comment: The p.K1600* variant (also known as c.4798A>T), located in coding exon 15 of the APC gene, results from an A to T substitution at nucleotide position 4798. This changes the amino acid from a lysine to a stop codon within coding exon 15. This variant occurs at the 3' terminus of the gene, is not expected to trigger nonsense-mediated mRNA decay, and impacts the last 43% of the protein. However, premature stop codons are typically deleterious in nature and a significant portion of the protein is affected (Ambry internal data). This variant is considered to be rare based on population cohorts in the Genome Aggregation Database (gnomAD). Based on the majority of available evidence to date, this variant is likely to be pathogenic.

NM_000038.6(APC):c.4798A>T (p.Lys1600Ter)

Gene: APC (APC regulator of Wnt signaling pathway; plus strand). Cytogenetic location: 5q22.2.
Variant type: single nucleotide variant.
Coding change: c.4798A>T on transcript NM_000038.6 (MANE Select); coding-DNA position 4798, A replaced by T.
Protein change: p.Lys1600Ter; replaces lysine 1600 with a stop codon.
Molecular consequence: nonsense. On other transcripts: non-coding transcript variant (2).
Genome position (GRCh38, 1-based): chr5:112,840,392, A>T. VCF-style: chr5-112840392-A-T. GRCh37 (hg19) VCF-style: chr5-112176089-A-T.
Other names: c.4723A>T, p.Lys1575Ter (NM_001354898.2); c.4714A>T, p.Lys1572Ter (NM_001354899.2); c.4675A>T, p.Lys1559Ter (NM_001354900.2); c.4621A>T, p.Lys1541Ter (NM_001354901.2, NM_001407453.1); c.4525A>T, p.Lys1509Ter (NM_001354902.2); c.4495A>T, p.Lys1499Ter (NM_001354903.2, NM_001407458.1, NM_001407459.1 and 1 more transcripts); c.4420A>T, p.Lys1474Ter (NM_001354904.2); c.4318A>T, p.Lys1440Ter (NM_001354905.2); and 11 more; short protein forms K1317*, K1541*, K1582*, K1610*, K1618*, K1474*, K1509*, K1517*.
Identifiers: ClinVar variation 5026067 (VCV005026067.1).
Genomic context (GRCh38, chr5:112,840,392, plus strand): 5'-ATTTCTGCCATGCCAACAAAGTCATCACGTAAAGCAAAAAAGCCAGCCCAGACTGCTTCA[A>T]AATTACCTCCACCTGTGGCAAGGAAACCAAGTCAGCTGCCTGTGTACAAACTTCTACCAT-3'